The following is an entry in ClinVar:

ClinVar aggregate classification (germline): Benign/Likely benign. Review status: criteria provided, multiple submitters, no conflicts (2 of 4 stars). 2 submissions from 2 submitters: Benign (1); Likely benign (1). Last evaluated 2026-01-11.

Conditions:
Methylmalonic acidemia with homocystinuria, type cblX (MAHCX). Also called: INTELLECTUAL DEVELOPMENTAL DISORDER, X-LINKED 3. Identifiers: Orphanet 369962, MedGen C0796208, MONDO:0010657, OMIM 309541.

Submissions (2):

Labcorp Genetics (formerly Invitae), Labcorp
Classification: Benign for Methylmalonic acidemia with homocystinuria, type cblX. Last evaluated: 2026-01-11. Review status: criteria provided, single submitter. Criteria: Invitae Variant Classification Sherloc (09022015). Collection method: clinical testing. Allele origin: germline.

CeGaT Center for Human Genetics Tuebingen
Classification: Likely benign. Last evaluated: 2025-12-01. Review status: criteria provided, single submitter. Criteria: CeGaT Center For Human Genetics Tuebingen Variant Classification Criteria Version 2. Collection method: clinical testing. Allele origin: germline. Affected: yes. Observed: 5 variant alleles.
Comment: HCFC1: PM4:Supporting, BS2

NM_005334.3(HCFC1):c.5391GCC[1] (p.Pro1801del)

Gene: HCFC1 (host cell factor C1; minus strand). Cytogenetic location: Xq28.
Variant type: Microsatellite.
Coding change: c.5391GCC[1] on transcript NM_005334.3 (MANE Select); one copy of the 3-base unit GCC starting at c.5391; the reference has two copies in a row; one copy, 3 bases deleted.
Protein change: p.Pro1801del; deletes proline 1801.
Molecular consequence: inframe deletion.
Genome position (GRCh38, 1-based): chrX:153,951,471-153,951,473, GGC deleted on the plus strand (GCC on the coding strand, the reverse complement: HCFC1 is on the minus strand); deleting any 3 consecutive bases within chrX:153,951,471-153,951,476 gives the same sequence; the position shown is the placement nearest the transcript's 3' end. VCF-style (leftmost placement, unchanged base first): chrX-153951470-GGGC-G. GRCh37 (hg19) VCF-style: chrX-153216921-GGGC-G.
Other names: short protein forms P1801del.
Identifiers: ClinVar variation 663381 (VCV000663381.48), dbSNP rs782769309, ClinGen allele CA10556775.